The following is an entry in ClinVar:

ClinVar aggregate classification (germline): Conflicting classifications of pathogenicity. Review status: criteria provided, conflicting classifications (1 of 4 stars). 3 submissions from 3 submitters: Uncertain significance (2); Likely benign (1). Last evaluated 2025-12-08.

Conditions:
Cardiovascular phenotype. Identifiers: MedGen CN230736.
Brugada syndrome 8 (BRGDA8). Identifiers: Orphanet 130, MedGen C2751083, MONDO:0013148, OMIM 613123.

Allele frequency attached by ClinVar (database versions not stated): TOPMed 0.00026.
gnomAD v4.1: 47 of 1,538,986 alleles (0.0031%); highest among the groups gnomAD compares: African/African-American, 0.053%; no homozygotes.

Submissions (3):

Labcorp Genetics (formerly Invitae), Labcorp
Classification: Likely benign for Brugada syndrome 8. Last evaluated: 2025-12-08. Review status: criteria provided, single submitter. Criteria: Invitae Variant Classification Sherloc (09022015). Collection method: clinical testing. Allele origin: germline.

Ambry Genetics
Classification: Uncertain significance for Cardiovascular phenotype. Last evaluated: 2024-08-03. Review status: criteria provided, single submitter. Criteria: Ambry Variant Classification Scheme 2023. Collection method: clinical testing. Allele origin: germline.
Comment: The p.S935Y variant (also known as c.2804C>A), located in coding exon 8 of the HCN4 gene, results from a C to A substitution at nucleotide position 2804. The serine at codon 935 is replaced by tyrosine, an amino acid with dissimilar properties. This variant was detected in a sudden death victim; however, details were limited, and in vitro studies by one group suggested this variant may not impact protein function (Dong J et al. Pacing Clin Electrophysiol, 2019 02;42:275-282). This amino acid position is not well conserved in available vertebrate species. In addition, the in silico prediction for this alteration is inconclusive. Since supporting evidence is limited at this time, the clinical significance of this alteration remains unclear.

GeneDx
Classification: Uncertain significance. Last evaluated: 2024-05-02. Review status: criteria provided, single submitter. Criteria: GeneDx Variant Classification Process June 2021. Collection method: clinical testing. Allele origin: germline. Affected: yes.
Comment: Identified through a testing cohort of individuals who suffered unexplained natural deaths; patient-specific details were not described (PMID: 30578647); Functional studies showed that p.(S935Y) failed to affect channel function or localization (PMID: 30578647); In silico analysis indicates that this missense variant does not alter protein structure/function; This variant is associated with the following publications: (PMID: 29247119, 30578647)

Literature cited by the submitters: PubMed 30578647 (cited by Ambry Genetics).

NM_005477.3(HCN4):c.2804C>A (p.Ser935Tyr)

Gene: HCN4 (hyperpolarization activated cyclic nucleotide gated potassium channel 4; minus strand). Cytogenetic location: 15q24.1.
Variant type: single nucleotide variant.
Coding change: c.2804C>A on transcript NM_005477.3 (MANE Select); coding-DNA position 2804, C replaced by A.
Protein change: p.Ser935Tyr; replaces serine 935 with tyrosine.
Molecular consequence: missense variant.
Genome position (GRCh38, 1-based): chr15:73,323,289, G>T on the plus strand (C>A on the coding strand, the complement: HCN4 is on the minus strand). VCF-style: chr15-73323289-G-T. GRCh37 (hg19) VCF-style: chr15-73615630-G-T.
Other names: short protein forms S935Y.
Identifiers: ClinVar variation 470659 (VCV000470659.14), dbSNP rs775803239, ClinGen allele CA7648952.
Genomic context (GRCh38, chr15:73,323,289, plus strand): 5'-GGGAGTCCCAGGCCTCCCCGGGCCCCGGGTGGCGCGGGAGATGGCTGGGCAGCCTGCGGG[G>T]AGCGGGCGCCTGGCTGCAGCGGGGTGAGCAGGGGAGAGTCGGAGGAGGACAGGGAGCCAC-3'
Protein context (NP_005468.1, residues 925-945): LLTPLQPGAR[Ser935Tyr]PQAAQPSPAP